The following is an entry in ClinVar:

NM_001130144.3(LTBP3):c.764C>A (p.Pro255His)

Gene: LTBP3 (latent transforming growth factor beta binding protein 3; minus strand). Cytogenetic location: 11q13.1.
Variant type: single nucleotide variant.
Coding change: c.764C>A on transcript NM_001130144.3 (MANE Select); coding-DNA position 764, C replaced by A.
Protein change: p.Pro255His; replaces proline 255 with histidine.
Molecular consequence: missense variant.
Genome position (GRCh38, 1-based): chr11:65,553,801, G>T on the plus strand (C>A on the coding strand, the complement: LTBP3 is on the minus strand). VCF-style: chr11-65553801-G-T. GRCh37 (hg19) VCF-style: chr11-65321272-G-T.
Other names: c.413C>A, p.Pro138His (NM_001164266.1); c.764C>A, p.Pro255His (NM_021070.4); c.764C>A (NM_001130144.2); short protein forms P255H, P138H.
Identifiers: ClinVar variation 1470577 (VCV001470577.9), dbSNP rs200322257, ClinGen allele CA6101163.

ClinVar aggregate classification (germline): Uncertain significance. Review status: criteria provided, multiple submitters, no conflicts (2 of 4 stars). 2 submissions from 2 submitters: Uncertain significance (2). Last evaluated 2025-08-12.

Conditions:
Inborn genetic diseases. Identifiers: MedGen C0950123, MeSH D030342.
Brachyolmia-amelogenesis imperfecta syndrome. Also called: Tooth agenesis, selective, 6; Dental anomalies and short stature; PLATYSPONDYLY WITH AMELOGENESIS IMPERFECTA. Identifiers: Orphanet 2899, MedGen C1832594, MONDO:0011018, OMIM 601216. Disease mechanism: loss of function.

Allele frequency attached by ClinVar (database versions not stated): gnomAD exomes 0.00005; ESP Exome Variant Server 0.00008; 1000 Genomes Project 30x 0.00016; gnomAD 0.00018 and 0.00021; TOPMed 0.00023.

Submissions (2):

Labcorp Genetics (formerly Invitae), Labcorp
Classification: Uncertain significance for Brachyolmia-amelogenesis imperfecta syndrome. Last evaluated: 2025-08-12. Review status: criteria provided, single submitter. Criteria: Invitae Variant Classification Sherloc (09022015). Collection method: clinical testing. Allele origin: germline.
Comment: This sequence change replaces proline, which is neutral and non-polar, with histidine, which is basic and polar, at codon 255 of the LTBP3 protein (p.Pro255His). This variant is present in population databases (rs200322257, gnomAD 0.08%). This variant has not been reported in the literature in individuals affected with LTBP3-related conditions. ClinVar contains an entry for this variant (Variation ID: 1470577). An algorithm developed to predict the effect of missense changes on protein structure and function (PolyPhen-2) suggests that this variant is likely to be disruptive. In summary, the available evidence is currently insufficient to determine the role of this variant in disease. Therefore, it has been classified as a Variant of Uncertain Significance.

Ambry Genetics
Classification: Uncertain significance for Inborn genetic diseases. Last evaluated: 2023-10-30. Review status: criteria provided, single submitter. Criteria: Ambry Variant Classification Scheme 2023. Collection method: clinical testing. Allele origin: germline.